The following is an entry in ClinVar:

ClinVar aggregate classification (germline): Uncertain significance. Review status: criteria provided, multiple submitters, no conflicts (2 of 4 stars). 2 submissions from 2 submitters: Uncertain significance (2). Last evaluated 2025-02-26.

Conditions:
Inborn genetic diseases. Identifiers: MedGen C0950123, MeSH D030342.
Fanconi anemia (FA). Also called: Fanconi's anemia. Identifiers: Orphanet 84, MedGen C0015625, MeSH D005199, MONDO:0019391.

gnomAD v4.1: 2 of 1,614,234 alleles (0.00012%); highest among the groups gnomAD compares: Admixed American, 0.0033%; no homozygotes.

Submissions (2):

Ambry Genetics
Classification: Uncertain significance for Inborn genetic diseases. Last evaluated: 2025-02-26. Review status: criteria provided, single submitter. Criteria: Ambry Variant Classification Scheme 2023. Collection method: clinical testing. Allele origin: germline.
Comment: The p.P895A variant (also known as c.2683C>G), located in coding exon 28 of the FANCA gene, results from a C to G substitution at nucleotide position 2683. The proline at codon 895 is replaced by alanine, an amino acid with highly similar properties. This amino acid position is conserved. In addition, this alteration is predicted to be tolerated by in silico analysis. Based on the available evidence, the clinical significance of this variant remains unclear.

Labcorp Genetics (formerly Invitae), Labcorp
Classification: Uncertain significance for Fanconi anemia. Last evaluated: 2021-10-10. Review status: criteria provided, single submitter. Criteria: Invitae Variant Classification Sherloc (09022015). Collection method: clinical testing. Allele origin: germline.
Comment: This sequence change replaces proline with alanine at codon 895 of the FANCA protein (p.Pro895Ala). The proline residue is weakly conserved and there is a small physicochemical difference between proline and alanine. This variant is not present in population databases (ExAC no frequency). This variant has not been reported in the literature in individuals affected with FANCA-related conditions. Advanced modeling of protein sequence and biophysical properties (such as structural, functional, and spatial information, amino acid conservation, physicochemical variation, residue mobility, and thermodynamic stability) performed at Invitae indicates that this missense variant is not expected to disrupt FANCA protein function. In summary, the available evidence is currently insufficient to determine the role of this variant in disease. Therefore, it has been classified as a Variant of Uncertain Significance.

NM_000135.4(FANCA):c.2683C>G (p.Pro895Ala)

Genes: FANCA (FA complementation group A; minus strand), LOC130059837 (ATAC-STARR-seq lymphoblastoid active region 11420; plus strand). Cytogenetic location: 16q24.3.
Variant type: single nucleotide variant.
Coding change: c.2683C>G on transcript NM_000135.4 (MANE Select); coding-DNA position 2683, C replaced by G.
Protein change: p.Pro895Ala; replaces proline 895 with alanine.
Molecular consequence: missense variant.
Genome position (GRCh38, 1-based): chr16:89,764,985, G>C on the plus strand (C>G on the coding strand, the complement: FANCA is on the minus strand). VCF-style: chr16-89764985-G-C. GRCh37 (hg19) VCF-style: chr16-89831393-G-C.
Other names: c.2683C>G, p.Pro895Ala (NM_001286167.3); c.2683C>G (NM_000135.2); short protein forms P895A.
Identifiers: ClinVar variation 1433126 (VCV001433126.4), dbSNP rs755207440, ClinGen allele CA397438460.